The following is an entry in ClinVar:

ClinVar aggregate classification (germline): Pathogenic (1 of 4 stars; one submission).

Submission:

Labcorp Genetics (formerly Invitae), Labcorp
Classification: Pathogenic. Last evaluated: 2025-10-27. Review status: criteria provided, single submitter. Criteria: Invitae Variant Classification Sherloc (09022015). Collection method: clinical testing. Allele origin: germline.
Comment: This sequence change creates a premature translational stop signal (p.Leu1133*) in the CACNA1B gene. It is expected to result in an absent or disrupted protein product. Loss-of-function variants in CACNA1B are known to be pathogenic (PMID: 30982612). This variant is not present in population databases (gnomAD no frequency). This variant has not been reported in the literature in individuals affected with CACNA1B-related conditions. For these reasons, this variant has been classified as Pathogenic.

Literature cited by the submitters: PubMed 30982612.

NM_000718.4(CACNA1B):c.3398T>A (p.Leu1133Ter)

Genes: CACNA1B (calcium voltage-gated channel subunit alpha1 B; plus strand), LOC101928786 (uncharacterized LOC101928786; minus strand). Cytogenetic location: 9q34.3.
Variant type: single nucleotide variant.
Coding change: c.3398T>A on transcript NM_000718.4 (MANE Select); coding-DNA position 3398, T replaced by A.
Protein change: p.Leu1133Ter; replaces leucine 1133 with a stop codon.
Molecular consequence: nonsense.
Genome position (GRCh38, 1-based): chr9:138,043,885, T>A. VCF-style: chr9-138043885-T-A. GRCh37 (hg19) VCF-style: chr9-140938337-T-A.
Other names: c.3398T>A, p.Leu1133Ter (NM_001243812.2); short protein forms L1133*.
Identifiers: ClinVar variation 4726176 (VCV004726176.1).